The following is an entry in ClinVar:

NM_000817.3(GAD1):c.1259A>G (p.Glu420Gly)

Gene: GAD1 (glutamate decarboxylase 1; plus strand). Cytogenetic location: 2q31.1.
Variant type: single nucleotide variant.
Coding change: c.1259A>G on transcript NM_000817.3 (MANE Select); coding-DNA position 1259, A replaced by G.
Protein change: p.Glu420Gly; replaces glutamic acid 420 with glycine.
Molecular consequence: missense variant.
Genome position (GRCh38, 1-based): chr2:170,852,788, A>G. VCF-style: chr2-170852788-A-G. GRCh37 (hg19) VCF-style: chr2-171709298-A-G.
Other names: short protein forms E420G.
Identifiers: ClinVar variation 1933350 (VCV001933350.5), dbSNP rs1325203081, ClinGen allele CA349265332.

ClinVar aggregate classification (germline): Uncertain significance (1 of 4 stars; one submission).

Conditions:
Neurodevelopmental disorder with progressive spasticity and brain white matter abnormalities. Also called: CEREBRAL PALSY, SPASTIC QUADRIPLEGIC, 1. Identifiers: Orphanet 210141, Orphanet 641353, MedGen C5436628, MONDO:0033613, OMIM 619026.

Allele frequency attached by ClinVar (database versions not stated): gnomAD exomes below 0.00001.
gnomAD v4.1: 1 of 1,613,752 alleles (0.000062%); highest among the groups gnomAD compares: Admixed American, 0.0017%; no homozygotes.

Submission:

Labcorp Genetics (formerly Invitae), Labcorp
Classification: Uncertain significance for Neurodevelopmental disorder with progressive spasticity and brain white matter abnormalities. Last evaluated: 2024-12-02. Review status: criteria provided, single submitter. Criteria: Invitae Variant Classification Sherloc (09022015). Collection method: clinical testing. Allele origin: germline.
Comment: This sequence change replaces glutamic acid, which is acidic and polar, with glycine, which is neutral and non-polar, at codon 420 of the GAD1 protein (p.Glu420Gly). This variant is present in population databases (no rsID available, gnomAD 0.003%). This variant has not been reported in the literature in individuals affected with GAD1-related conditions. ClinVar contains an entry for this variant (Variation ID: 1933350). Invitae Evidence Modeling of protein sequence and biophysical properties (such as structural, functional, and spatial information, amino acid conservation, physicochemical variation, residue mobility, and thermodynamic stability) indicates that this missense variant is not expected to disrupt GAD1 protein function with a negative predictive value of 80%. In summary, the available evidence is currently insufficient to determine the role of this variant in disease. Therefore, it has been classified as a Variant of Uncertain Significance.